The following is an entry in ClinVar:

NM_000057.4(BLM):c.3634G>C (p.Glu1212Gln)

Gene: BLM (BLM RecQ like helicase; plus strand). Cytogenetic location: 15q26.1.
Variant type: single nucleotide variant.
Coding change: c.3634G>C on transcript NM_000057.4 (MANE Select); coding-DNA position 3634, G replaced by C.
Protein change: p.Glu1212Gln; replaces glutamic acid 1212 with glutamine.
Molecular consequence: missense variant. On other transcripts: intron variant (1).
Genome position (GRCh38, 1-based): chr15:90,804,242, G>C. VCF-style: chr15-90804242-G-C. GRCh37 (hg19) VCF-style: chr15-91347472-G-C.
Other names: c.3634G>C, p.Glu1212Gln (NM_001287246.2); c.2509G>C, p.Glu837Gln (NM_001287248.2); c.3359-4895G>C (NM_001287247.2); short protein forms E1212Q, E837Q.
Identifiers: ClinVar variation 941463 (VCV000941463.14), dbSNP rs1897234496, ClinGen allele CA393848048.

ClinVar aggregate classification (germline): Uncertain significance. Review status: criteria provided, multiple submitters, no conflicts (2 of 4 stars). 3 submissions from 3 submitters: Uncertain significance (2). 1 of the submissions does not count toward it. Last evaluated 2025-08-29.

Conditions:
Bloom syndrome (BLM). Also called: Bloom-Torre-Machacek syndrome. Identifiers: Orphanet 125, MedGen C0005859, MONDO:0008876, OMIM 210900.

Submissions (3):

Labcorp Genetics (formerly Invitae), Labcorp
Classification: Uncertain significance for Bloom syndrome. Last evaluated: 2025-08-29. Review status: criteria provided, single submitter. Criteria: Invitae Variant Classification Sherloc (09022015). Collection method: clinical testing. Allele origin: germline.
Comment: This sequence change replaces glutamic acid, which is acidic and polar, with glutamine, which is neutral and polar, at codon 1212 of the BLM protein (p.Glu1212Gln). This variant is not present in population databases (gnomAD no frequency). This variant has not been reported in the literature in individuals affected with BLM-related conditions. ClinVar contains an entry for this variant (Variation ID: 941463). Invitae Evidence Modeling of protein sequence and biophysical properties (such as structural, functional, and spatial information, amino acid conservation, physicochemical variation, residue mobility, and thermodynamic stability) indicates that this missense variant is not expected to disrupt BLM protein function with a negative predictive value of 80%. In summary, the available evidence is currently insufficient to determine the role of this variant in disease. Therefore, it has been classified as a Variant of Uncertain Significance.

Quest Diagnostics Nichols Institute San Juan Capistrano
Classification: Uncertain significance. Last evaluated: 2025-03-14. Review status: criteria provided, single submitter. Criteria: Quest Diagnostics criteria. Collection method: clinical testing. Allele origin: unknown.
Comment: The BLM c.3634G>C (p.Glu1212Gln) variant has not been reported in individuals with BLM-related conditions in the published literature. It also has not been reported in large, multi-ethnic general populations (Genome Aggregation Database). Analysis of this variant using a bioinformatics tool for the prediction of the effect of amino acid changes on protein structure and function yielded a prediction that this variant is benign. Based on the available information, we are unable to determine the clinical significance of this variant.

Natera, Inc.
Classification: Uncertain significance for Bloom syndrome. Last evaluated: 2021-09-30. Review status: no assertion criteria provided. Collection method: clinical testing. Allele origin: germline. Not counted in ClinVar's aggregate classification.